The following is an entry in ClinVar:

NM_001267550.2(TTN):c.93946A>G (p.Ile31316Val)

Genes: TTN (titin; minus strand), TTN-AS1 (TTN antisense RNA 1; plus strand). Cytogenetic location: 2q31.2.
Variant type: single nucleotide variant.
Coding change: c.93946A>G on transcript NM_001267550.2 (MANE Select); coding-DNA position 93946, A replaced by G.
Protein change: p.Ile31316Val; replaces isoleucine 31316 with valine.
Molecular consequence: missense variant.
Genome position (GRCh38, 1-based): chr2:178,547,680, T>C on the plus strand (A>G on the coding strand, the complement: TTN is on the minus strand). VCF-style: chr2-178547680-T-C. GRCh37 (hg19) VCF-style: chr2-179412407-T-C.
Other names: c.89023A>G, p.Ile29675Val (NM_001256850.1); c.66751A>G, p.Ile22251Val (NM_003319.4); c.86242A>G, p.Ile28748Val (NM_133378.4); c.67126A>G, p.Ile22376Val (NM_133432.3); c.67327A>G, p.Ile22443Val (NM_133437.4); short protein forms I22376V, I31316V, I22443V, I22251V, I28748V, I29675V.
Identifiers: ClinVar variation 4984789 (VCV004984789.1).

ClinVar aggregate classification (germline): Uncertain significance (1 of 4 stars; one submission).

Conditions:
TTN-related disorder. Also called: TTN-related disorders; TTN-related condition; TTN-related disease.

Submission:

PreventionGenetics, part of Exact Sciences
Classification: Uncertain significance for TTN-related condition. Last evaluated: 2026-07-30. Review status: criteria provided, single submitter. Criteria: ACMG Guidelines, 2015. Collection method: clinical testing. Allele origin: germline.
Comment: The TTN c.93946A>G variant is predicted to result in the amino acid substitution p.Ile31316Val. To our knowledge, this variant has not been reported in the literature or in a large population database (gnomAD), indicating this variant is rare. At this time, the clinical significance of this variant is uncertain due to the absence of conclusive functional and genetic evidence.